The following is an entry in ClinVar:

NM_001029883.3(PCARE):c.801_802delinsAA (p.Gln268Lys)

Gene: PCARE (photoreceptor cilium actin regulator; minus strand). Cytogenetic location: 2p23.2.
Variant type: Indel.
Coding change: c.801_802delinsAA on transcript NM_001029883.3 (MANE Select); coding-DNA positions 801 to 802, GC replaced by AA.
Protein change: p.Gln268Lys; replaces glutamine 268 with lysine.
Molecular consequence: missense variant.
Genome position (GRCh38, 1-based): chr2:29,073,460-29,073,461, GC replaced by TT on the plus strand (GC replaced by AA on the coding strand, the reverse complement: PCARE is on the minus strand). VCF-style: chr2-29073460-GC-TT. GRCh37 (hg19) VCF-style: chr2-29296326-GC-TT.
Other names: short protein forms Q268K.
Identifiers: ClinVar variation 1052072 (VCV001052072.7), dbSNP rs2148416727, ClinGen allele CA2499215858.

ClinVar aggregate classification (germline): Uncertain significance (1 of 4 stars; one submission).

Submission:

Labcorp Genetics (formerly Invitae), Labcorp
Classification: Uncertain significance. Last evaluated: 2020-08-19. Review status: criteria provided, single submitter. Criteria: Invitae Variant Classification Sherloc (09022015). Collection method: clinical testing. Allele origin: germline.
Comment: The frequency data for this variant in the population databases is not available, as this variant may be reported as separate entries in the ExAC database. In summary, the available evidence is currently insufficient to determine the role of this variant in disease. Therefore, it has been classified as a Variant of Uncertain Significance. Experimental studies and prediction algorithms are not available or were not evaluated, and the functional significance of this variant is currently unknown. This variant has not been reported in the literature in individuals with PCARE-related conditions. This sequence change replaces glutamine with lysine at codon 268 of the PCARE protein (p.Gln268Lys). The glutamine residue is highly conserved and there is a small physicochemical difference between glutamine and lysine.